The following is an entry in ClinVar:

ClinVar aggregate classification (germline): Uncertain significance (1 of 4 stars; one submission).

Conditions:
Hereditary sensory and autonomic neuropathy type 7. Also called: Neuropathy, hereditary sensory and autonomic, type VII; HSAN VII. Identifiers: Orphanet 391397, MedGen C3809882, MONDO:0014244, OMIM 615548.
Familial episodic pain syndrome with predominantly lower limb involvement. Also called: Episodic pain syndrome, familial, 3. Identifiers: Orphanet 391384, Orphanet 391392, MedGen C3809899, MONDO:0014247, OMIM 615552.

Submission:

Labcorp Genetics (formerly Invitae), Labcorp
Classification: Uncertain significance for Familial episodic pain syndrome with predominantly lower limb involvement; Hereditary sensory and autonomic neuropathy type 7. Last evaluated: 2023-02-03. Review status: criteria provided, single submitter. Criteria: Invitae Variant Classification Sherloc (09022015). Collection method: clinical testing. Allele origin: germline.
Comment: This variant has not been reported in the literature in individuals affected with SCN11A-related conditions. In summary, the available evidence is currently insufficient to determine the role of this variant in disease. Therefore, it has been classified as a Variant of Uncertain Significance. Algorithms developed to predict the effect of missense changes on protein structure and function output the following: SIFT: "Tolerated"; PolyPhen-2: "Benign"; Align-GVGD: "Class C0". The aspartic acid amino acid residue is found in multiple mammalian species, which suggests that this missense change does not adversely affect protein function. This variant is not present in population databases (gnomAD no frequency). This sequence change replaces glutamic acid, which is acidic and polar, with aspartic acid, which is acidic and polar, at codon 512 of the SCN11A protein (p.Glu512Asp).

NM_001349253.2(SCN11A):c.1536G>T (p.Glu512Asp)

Gene: SCN11A (sodium voltage-gated channel alpha subunit 11; minus strand). Cytogenetic location: 3p22.2.
Variant type: single nucleotide variant.
Coding change: c.1536G>T on transcript NM_001349253.2 (MANE Select); coding-DNA position 1536, G replaced by T.
Protein change: p.Glu512Asp; replaces glutamic acid 512 with aspartic acid.
Molecular consequence: missense variant.
Genome position (GRCh38, 1-based): chr3:38,905,259, C>A on the plus strand (G>T on the coding strand, the complement: SCN11A is on the minus strand). VCF-style: chr3-38905259-C-A. GRCh37 (hg19) VCF-style: chr3-38946750-C-A.
Other names: c.1536G>T, p.Glu512Asp (NM_014139.3); short protein forms E512D.
Identifiers: ClinVar variation 2943890 (VCV002943890.3), dbSNP rs2470586701, ClinGen allele CA352166276.
Genomic context (GRCh38, chr3:38,905,259, plus strand): 5'-GGTGATGGTGAGGATGCTGACAGCACTCAGTGCTCTCTGCCTTTGGAGAGGATCTCCATG[C>A]TCATCAAAGTGGTCCAGTGATAGATTCTGGGACAGTCGTTTGGTTTGCTCTAGGAGCTGT-3'
Protein context (NP_001336182.1, residues 502-522): SQNLSLDHFD[Glu512Asp]HGDPLQRQRA